The following is an entry in ClinVar:

ClinVar aggregate classification (germline): Pathogenic. Review status: criteria provided, multiple submitters, no conflicts (2 of 4 stars). 3 submissions from 3 submitters: Pathogenic (3). Last evaluated 2025-09-07.

Conditions:
Hereditary cancer-predisposing syndrome. Also called: Hereditary neoplastic syndrome; Tumor predisposition; Hereditary Cancer Syndrome; Neoplastic Syndromes, Hereditary. Identifiers: Orphanet 140162, MedGen C0027672, MeSH D009386, MONDO:0015356.
Familial cancer of breast. Also called: BREAST CANCER, FAMILIAL; hereditary breast carcinoma; Hereditary breast cancer. Identifiers: Orphanet 227535, MedGen C0346153, MONDO:0016419, OMIM 114480. Disease mechanism: loss of function.

Submissions (3):

Ambry Genetics
Classification: Pathogenic for Hereditary cancer-predisposing syndrome. Last evaluated: 2025-09-07. Review status: criteria provided, single submitter. Criteria: Ambry Variant Classification Scheme 2023. Collection method: clinical testing. Allele origin: germline.
Comment: The p.W97* pathogenic mutation (also known as c.290G>A), located in coding exon 1 of the CHEK2 gene, results from a G to A substitution at nucleotide position 290. This changes the amino acid from a tryptophan to a stop codon within coding exon 1. This variant is considered to be rare based on population cohorts in the Genome Aggregation Database (gnomAD). This alteration is expected to result in loss of function by premature protein truncation or nonsense-mediated mRNA decay. As such, this alteration is interpreted as a disease-causing mutation.

Labcorp Genetics (formerly Invitae), Labcorp
Classification: Pathogenic for Familial cancer of breast. Last evaluated: 2024-09-04. Review status: criteria provided, single submitter. Criteria: Invitae Variant Classification Sherloc (09022015). Collection method: clinical testing. Allele origin: germline.
Comment: This sequence change creates a premature translational stop signal (p.Trp97*) in the CHEK2 gene. It is expected to result in an absent or disrupted protein product. Loss-of-function variants in CHEK2 are known to be pathogenic (PMID: 21876083, 24713400). This variant is not present in population databases (gnomAD no frequency). This variant has not been reported in the literature in individuals affected with CHEK2-related conditions. ClinVar contains an entry for this variant (Variation ID: 2584140). For these reasons, this variant has been classified as Pathogenic.

Myriad Genetics, Inc.
Classification: Pathogenic for Familial cancer of breast. Last evaluated: 2023-06-23. Review status: criteria provided, single submitter. Criteria: Myriad Autosomal Dominant, Autosomal Recessive and X-Linked Classification Criteria (2023). Collection method: clinical testing. Allele origin: unknown.
Comment: This variant is considered pathogenic. This variant creates a termination codon and is predicted to result in premature protein truncation.

Literature cited by the submitters: PubMed 21876083 (cited by Labcorp Genetics (formerly Invitae), Labcorp); PubMed 24713400 (cited by Labcorp Genetics (formerly Invitae), Labcorp).

NM_007194.4(CHEK2):c.290G>A (p.Trp97Ter)

Gene: CHEK2 (checkpoint kinase 2; minus strand). Cytogenetic location: 22q12.1.
Variant type: single nucleotide variant.
Coding change: c.290G>A on transcript NM_007194.4 (MANE Select); coding-DNA position 290, G replaced by A.
Protein change: p.Trp97Ter; replaces tryptophan 97 with a stop codon.
Molecular consequence: nonsense.
Genome position (GRCh38, 1-based): chr22:28,734,432, C>T on the plus strand (G>A on the coding strand, the complement: CHEK2 is on the minus strand). VCF-style: chr22-28734432-C-T. GRCh37 (hg19) VCF-style: chr22-29130420-C-T.
Other names: c.290G>A (NM_007194.3); c.290G>A, p.Trp97Ter (NM_001005735.3, NM_001349956.3, NM_145862.3); c.-488G>A (NM_001257387.3); short protein forms W97*.
Identifiers: ClinVar variation 2584140 (VCV002584140.6), dbSNP rs2146144384, ClinGen allele CA411090329.